The following is an entry in ClinVar:

NM_001128840.3(CACNA1D):c.5660C>T (p.Pro1887Leu)

Gene: CACNA1D (calcium voltage-gated channel subunit alpha1 D; plus strand). Cytogenetic location: 3p21.1.
Variant type: single nucleotide variant.
Coding change: c.5660C>T on transcript NM_001128840.3 (MANE Select); coding-DNA position 5660, C replaced by T.
Protein change: p.Pro1887Leu; replaces proline 1887 with leucine.
Molecular consequence: missense variant.
Genome position (GRCh38, 1-based): chr3:53,805,057, C>T. VCF-style: chr3-53805057-C-T. GRCh37 (hg19) VCF-style: chr3-53839084-C-T.
Other names: c.5720C>T, p.Pro1907Leu (NM_000720.4); c.5588C>T, p.Pro1863Leu (NM_001128839.3); short protein forms P1907L, P1863L, P1887L.
Identifiers: ClinVar variation 1954890 (VCV001954890.5), dbSNP rs1164635148, ClinGen allele CA353254645.

ClinVar aggregate classification (germline): Uncertain significance (1 of 4 stars; one submission).

Allele frequency attached by ClinVar (database versions not stated): gnomAD 0.00001; gnomAD exomes below 0.00001; TOPMed below 0.00001.
gnomAD v4.1: 3 of 1,613,954 alleles (0.00019%); highest among the groups gnomAD compares: Non-Finnish European, 0.00025%; no homozygotes.

Submission:

Labcorp Genetics (formerly Invitae), Labcorp
Classification: Uncertain significance. Last evaluated: 2024-10-18. Review status: criteria provided, single submitter. Criteria: Invitae Variant Classification Sherloc (09022015). Collection method: clinical testing. Allele origin: germline.
Comment: This sequence change replaces proline, which is neutral and non-polar, with leucine, which is neutral and non-polar, at codon 1907 of the CACNA1D protein (p.Pro1907Leu). This variant is not present in population databases (gnomAD no frequency). This variant has not been reported in the literature in individuals affected with CACNA1D-related conditions. ClinVar contains an entry for this variant (Variation ID: 1954890). An algorithm developed to predict the effect of missense changes on protein structure and function (PolyPhen-2) suggests that this variant is likely to be tolerated. In summary, the available evidence is currently insufficient to determine the role of this variant in disease. Therefore, it has been classified as a Variant of Uncertain Significance.